The following is an entry in ClinVar:

NM_022089.4(ATP13A2):c.2527A>C (p.Lys843Gln)

Gene: ATP13A2 (ATPase cation transporting 13A2; minus strand). Cytogenetic location: 1p36.13.
Variant type: single nucleotide variant.
Coding change: c.2527A>C on transcript NM_022089.4 (MANE Select); coding-DNA position 2527, A replaced by C.
Protein change: p.Lys843Gln; replaces lysine 843 with glutamine.
Molecular consequence: missense variant. On other transcripts: intron variant (1).
Genome position (GRCh38, 1-based): chr1:16,989,889, T>G on the plus strand (A>C on the coding strand, the complement: ATP13A2 is on the minus strand). VCF-style: chr1-16989889-T-G. GRCh37 (hg19) VCF-style: chr1-17316384-T-G.
Other names: c.2512A>C, p.Lys838Gln (NM_001141973.3); c.2398-119A>C (NM_001141974.3); short protein forms K838Q, K843Q.
Identifiers: ClinVar variation 1354938 (VCV001354938.5), dbSNP rs2100724045, ClinGen allele CA338240127.

ClinVar aggregate classification (germline): Uncertain significance (1 of 4 stars; one submission).

Conditions:
Kufor-Rakeb syndrome (KRS). Also called: PARKINSON DISEASE 9, AUTOSOMAL RECESSIVE, JUVENILE-ONSET. Identifiers: Orphanet 306674, Orphanet 314632, MedGen C1847640, MONDO:0011706, OMIM 606693.
Autosomal recessive spastic paraplegia type 78. Identifiers: Orphanet 513436, MedGen C5567893, MONDO:0014975, OMIM 617225.

Submission:

Labcorp Genetics (formerly Invitae), Labcorp
Classification: Uncertain significance for Kufor-Rakeb syndrome; Autosomal recessive spastic paraplegia type 78. Last evaluated: 2021-08-14. Review status: criteria provided, single submitter. Criteria: Invitae Variant Classification Sherloc (09022015). Collection method: clinical testing. Allele origin: germline.
Comment: This sequence change replaces lysine with glutamine at codon 843 of the ATP13A2 protein (p.Lys843Gln). The lysine residue is moderately conserved and there is a small physicochemical difference between lysine and glutamine. This variant is not present in population databases (ExAC no frequency). This variant has not been reported in the literature in individuals affected with ATP13A2-related conditions. Algorithms developed to predict the effect of missense changes on protein structure and function are either unavailable or do not agree on the potential impact of this missense change (SIFT: "Tolerated"; PolyPhen-2: "Probably Damaging"; Align-GVGD: "Class C0"). In summary, the available evidence is currently insufficient to determine the role of this variant in disease. Therefore, it has been classified as a Variant of Uncertain Significance.